The following is an entry in ClinVar:

ClinVar aggregate classification (germline): Pathogenic (1 of 4 stars; one submission).

Conditions:
Polycystic kidney disease, adult type (PKD1). Also called: Polycystic Kidney, Autosomal Dominant; POLYCYSTIC KIDNEY DISEASE 1 WITH OR WITHOUT POLYCYSTIC LIVER DISEASE; POLYCYSTIC KIDNEY DISEASE, ADULT, TYPE I; Polycystic Kidney Disease 1, Autosomal Dominant; Polycystic kidney disease 1; Polycystic kidney disease 1, severe. Identifiers: MedGen C3149841, MONDO:0008263, OMIM 173900.

Submission:

Juno Genomics, Hangzhou Juno Genomics, Inc
Classification: Pathogenic for Polycystic kidney disease, adult type. Review status: criteria provided, single submitter. Criteria: ACMG Guidelines, 2015. Collection method: clinical testing. Allele origin: germline. Affected: yes.
Comment: Absent from controls (or at extremely low frequency if recessive) in Genome Aggregation Database, Exome Sequencing Project, 1000 Genomes Project, or Exome Aggregation Consortium.;Null variant in a gene where loss of function (LOF) is a known mechanism of disease.;Patient's phenotype or family history is highly specific for a disease with a single genetic etiology.

NM_001009944.3(PKD1):c.2401_2410dup (p.Asn804fs)

Gene: PKD1 (polycystin 1, transient receptor potential channel interacting; minus strand). Cytogenetic location: 16p13.3.
Variant type: Duplication.
Coding change: c.2401_2410dup on transcript NM_001009944.3 (MANE Select); coding-DNA positions 2401 to 2410, 10 bases duplicated (GAGGTGGGCA; older notation c.2401_2410dupGAGGTGGGCA).
Protein change: p.Asn804fs; shifts the reading frame from asparagine 804.
Molecular consequence: frameshift variant.
Genome position (GRCh38, 1-based): chr16:2,114,613-2,114,622, TGCCCACCTC duplicated on the plus strand (GAGGTGGGCA on the coding strand, the reverse complement: PKD1 is on the minus strand); duplicating any 10 consecutive bases within chr16:2,114,613-2,114,627 gives the same sequence; the c. name uses the placement nearest the transcript's 3' end. VCF-style (leftmost placement, unchanged base first): chr16-2114612-T-TTGCCCACCTC. GRCh37 (hg19) VCF-style: chr16-2164613-T-TTGCCCACCTC.
Other names: c.2401_2410dup, p.Asn804fs (NM_000296.4); short protein forms N804fs.
Identifiers: ClinVar variation 3335837 (VCV003335837.2).